The following is an entry in ClinVar:

ClinVar aggregate classification (germline): Benign/Likely benign. Review status: criteria provided, multiple submitters, no conflicts (2 of 4 stars). 4 submissions from 4 submitters: Benign (1); Likely benign (3). Last evaluated 2025-06-29.

Conditions:
Multiple endocrine neoplasia type 2A. Also called: MULTIPLE ENDOCRINE NEOPLASIA, TYPE IIA; PTC SYNDROME; SIPPLE SYNDROME; MEN 2A; MEN-2A syndrome; Pheochromocytoma and amyloid producing medullary thyroid carcinoma. Identifiers: Orphanet 247698, Orphanet 653, MedGen C0025268, MeSH D018813, MONDO:0008234, OMIM 171400.
Hereditary cancer-predisposing syndrome. Also called: Neoplastic Syndromes, Hereditary; Hereditary Cancer Syndrome; Tumor predisposition; Hereditary neoplastic syndrome. Identifiers: Orphanet 140162, MedGen C0027672, MeSH D009386, MONDO:0015356.
Multiple endocrine neoplasia, type 2 (MEN2). Identifiers: Orphanet 653, MedGen C4048306, MONDO:0019003. Disease mechanism: gain of function.

Allele frequency attached by ClinVar (database versions not stated): gnomAD exomes below 0.00001; TOPMed 0.00001.
gnomAD v4.1: 1 of 1,612,926 alleles (0.000062%); highest among the groups gnomAD compares: East Asian, 0.0022%; no homozygotes.

Submissions (4):

Color Diagnostics, LLC DBA Color Health
Classification: Likely benign for Multiple endocrine neoplasia, type 2. Last evaluated: 2025-06-29. Review status: criteria provided, single submitter. Criteria: ACMG Guidelines, 2015. Collection method: clinical testing. Allele origin: germline.

Myriad Genetics, Inc.
Classification: Benign for Multiple endocrine neoplasia type 2A. Last evaluated: 2025-02-26. Review status: criteria provided, single submitter. Criteria: Myriad Autosomal Dominant, Autosomal Recessive and X-Linked Classification Criteria (2023). Collection method: clinical testing. Allele origin: unknown.
Comment: This variant is considered benign. This variant is a silent/synonymous amino acid change and it is not expected to impact splicing.

Labcorp Genetics (formerly Invitae), Labcorp
Classification: Likely benign for Multiple endocrine neoplasia, type 2. Last evaluated: 2024-11-29. Review status: criteria provided, single submitter. Criteria: Invitae Variant Classification Sherloc (09022015). Collection method: clinical testing. Allele origin: germline.

Ambry Genetics
Classification: Likely benign for Hereditary cancer-predisposing syndrome. Last evaluated: 2022-01-27. Review status: criteria provided, single submitter. Criteria: Ambry Variant Classification Scheme 2023. Collection method: clinical testing. Allele origin: germline.

NM_020975.6(RET):c.2388G>A (p.Gln796=)

Gene: RET (ret proto-oncogene; plus strand). Cytogenetic location: 10q11.21.
Variant type: single nucleotide variant.
Coding change: c.2388G>A on transcript NM_020975.6 (MANE Select); coding-DNA position 2388, G replaced by A.
Protein change: p.Gln796=; no amino-acid change (glutamine 796 retained).
Molecular consequence: synonymous variant.
Genome position (GRCh38, 1-based): chr10:43,118,476, G>A. VCF-style: chr10-43118476-G-A. GRCh37 (hg19) VCF-style: chr10-43613924-G-A.
Other names: c.1203G>A, p.Gln401= (NM_001406789.1, NM_001406790.1, NM_001406788.1); c.1083G>A, p.Gln361= (NM_001406791.1); c.939G>A, p.Gln313= (NM_001406792.1, NM_001406793.1, NM_001406794.1); c.2388G>A, p.Gln796= (NM_020629.2, NM_020630.7, NM_000323.2 and 4 more transcripts); c.1626G>A, p.Gln542= (NM_001355216.2); c.2259G>A, p.Gln753= (NM_001406761.1, NM_001406762.1, NM_001406764.1); c.2253G>A, p.Gln751= (NM_001406763.1, NM_001406765.1); c.2100G>A, p.Gln700= (NM_001406766.1, NM_001406767.1, NM_001406770.1); and 10 more.
Identifiers: ClinVar variation 741097 (VCV000741097.15), dbSNP rs1328507414, ClinGen allele CA469028214.
Genomic context (GRCh38, chr10:43,118,476, plus strand): 5'-CAACGTCCTGAAGCAGGTCAACCACCCACATGTCATCAAATTGTATGGGGCCTGCAGCCA[G>A]GATGGTAAGGCCAGCTGCAGGGTGAGGTGGGCAGCCACTGCACCCAGGCTGGGGGCTCCA-3'
Protein context (NP_066124.1, residues 786-806): HVIKLYGACS[Gln796=]DGPLLLIVEY